The following is an entry in ClinVar:

NM_003242.6(TGFBR2):c.1152T>A (p.Asn384Lys)

Gene: TGFBR2 (transforming growth factor beta receptor 2; plus strand). Cytogenetic location: 3p24.1.
Variant type: single nucleotide variant.
Coding change: c.1152T>A on transcript NM_003242.6 (MANE Select); coding-DNA position 1152, T replaced by A.
Protein change: p.Asn384Lys; replaces asparagine 384 with lysine.
Molecular consequence: missense variant.
Genome position (GRCh38, 1-based): chr3:30,672,335, T>A. VCF-style: chr3-30672335-T-A. GRCh37 (hg19) VCF-style: chr3-30713827-T-A.
Other names: c.1227T>A, p.Asn409Lys (NM_001024847.3); c.1335T>A, p.Asn445Lys (NM_001407126.1); c.1260T>A, p.Asn420Lys (NM_001407127.1); c.1179T>A, p.Asn393Lys (NM_001407128.1); c.1155T>A, p.Asn385Lys (NM_001407129.1); c.1152T>A, p.Asn384Lys (NM_001407130.1); c.1047T>A, p.Asn349Lys (NM_001407132.1, NM_001407133.1, NM_001407134.1 and 2 more transcripts); c.867T>A, p.Asn289Lys (NM_001407137.1); and 1 more; short protein forms N384K, N409K, N264K, N289K, N385K, N393K, N445K, N349K.
Identifiers: ClinVar variation 36861 (VCV000036861.9), dbSNP rs193922661, ClinGen allele CA020613.
Genomic context (GRCh38, chr3:30,672,335, plus strand): 5'-TCACACTCCATGTGGGAGGCCCAAGATGCCCATCGTGCACAGGGACCTCAAGAGCTCCAA[T>A]ATCCTCGTGAAGAACGACCTAACCTGCTGCCTGTGTGACTTTGGGCTTTCCCTGCGTCTG-3'
Protein context (NP_003233.4, residues 374-394): PIVHRDLKSS[Asn384Lys]ILVKNDLTCC

ClinVar aggregate classification (germline): Conflicting classifications of pathogenicity. Review status: criteria provided, conflicting classifications (1 of 4 stars). 2 submissions from 2 submitters: Likely pathogenic (1); Uncertain significance (1). Last evaluated 2022-12-20.

Conditions:
Familial thoracic aortic aneurysm and aortic dissection (TAAD). Also called: Thoracic aortic aneurysms and dissections. Identifiers: Orphanet 91387, MedGen C4707243, MONDO:0019625.

Submissions (2):

Women's Health and Genetics/Laboratory Corporation of America, LabCorp
Classification: Uncertain significance. Last evaluated: 2022-12-20. Review status: criteria provided, single submitter. Criteria: LabCorp Variant Classification Summary - May 2015. Collection method: clinical testing. Allele origin: germline.
Comment: Variant summary: TGFBR2 c.1152T>A (p.Asn384Lys) results in a non-conservative amino acid change located in the Protein kinase domain (IPR000719) of the encoded protein sequence. Five of five in-silico tools predict a damaging effect of the variant on protein function. The variant was absent in 250320 control chromosomes. In literature, the variant c.1152T>G (p.Asn384Lys, same amino acid change caused by a different nucleotide change) has been reported in three patients with Loeys-Dietz Syndrome (Wellbrock_2014). Another missense change at this residue p.N384S has been detected in one patient with Marfan syndrome (PMID: 16799921) supporting pathogenicity of the variant of interest. To our knowledge, no experimental evidence demonstrating an impact on protein function has been reported. One clinical diagnostic laboratory has submitted clinical-significance assessments for this variant to ClinVar after 2014 without evidence for independent evaluation and classified the variant as uncertain significance. Based on the evidence outlined above, the variant was classified as VUS-possibly pathogenic.

Labcorp Genetics (formerly Invitae), Labcorp
Classification: Likely pathogenic for Familial thoracic aortic aneurysm and aortic dissection. Last evaluated: 2021-05-10. Review status: criteria provided, single submitter. Criteria: Invitae Variant Classification Sherloc (09022015). Collection method: clinical testing. Allele origin: germline.
Comment: A different variant (c.1152T>G) giving rise to the same protein effect has been determined to be pathogenic (Invitae). This suggests that this variant is also likely to be causative of disease. ClinVar contains an entry for this variant (Variation ID: 36861). Algorithms developed to predict the effect of missense changes on protein structure and function (SIFT, PolyPhen-2, Align-GVGD) all suggest that this variant is likely to be disruptive, but these predictions have not been confirmed by published functional studies and their clinical significance is uncertain. In summary, the currently available evidence indicates that the variant is pathogenic, but additional data are needed to prove that conclusively. Therefore, this variant has been classified as Likely Pathogenic. This sequence change replaces asparagine with lysine at codon 384 of the TGFBR2 protein (p.Asn384Lys). The asparagine residue is highly conserved and there is a moderate physicochemical difference between asparagine and lysine. This variant is not present in population databases (ExAC no frequency).

Literature cited by the submitters: PubMed 25116393 (cited by Women's Health and Genetics/Laboratory Corporation of America, LabCorp); PubMed 28182693 (cited by Women's Health and Genetics/Laboratory Corporation of America, LabCorp); PubMed 36007983 (cited by Women's Health and Genetics/Laboratory Corporation of America, LabCorp).